The following is an entry in ClinVar:

ClinVar aggregate classification (germline): Uncertain significance (1 of 4 stars; one submission).

Conditions:
Congenital myasthenic syndrome 4A. Also called: CONGENITAL MYASTHENIC SYNDROME TYPE Ia1; Myasthenic syndrome, congenital, 4a, slow-channel; MYASTHENIC SYNDROME, CONGENITAL, 4A, SLOW-CHANNEL, AUTOSOMAL RECESSIVE. Identifiers: Orphanet 590, MedGen C4225413, MONDO:0011600, OMIM 605809.

Submission:

Labcorp Genetics (formerly Invitae), Labcorp
Classification: Uncertain significance for Congenital myasthenic syndrome 4A. Last evaluated: 2023-03-18. Review status: criteria provided, single submitter. Criteria: Invitae Variant Classification Sherloc (09022015). Collection method: clinical testing. Allele origin: germline.
Comment: This variant is present in population databases (no rsID available, gnomAD 0.004%). This sequence change falls in intron 11 of the CHRNE gene. It does not directly change the encoded amino acid sequence of the CHRNE protein. In summary, the available evidence is currently insufficient to determine the role of this variant in disease. Therefore, it has been classified as a Variant of Uncertain Significance. Algorithms developed to predict the effect of sequence changes on RNA splicing suggest that this variant may disrupt the consensus splice site. This variant has not been reported in the literature in individuals affected with CHRNE-related conditions.

NM_000080.4(CHRNE):c.1327-21_1327-18del

Gene: CHRNE (cholinergic receptor nicotinic epsilon subunit; minus strand). Cytogenetic location: 17p13.2.
Variant type: Microsatellite.
Coding change: c.1327-21_1327-18del on transcript NM_000080.4 (MANE Select); 21 bases into the intron before coding-DNA position 1327 through 18 bases into the intron before coding-DNA position 1327, 4 bases deleted (ACTG; older notation c.1327-21_1327-18delACTG).
Molecular consequence: intron variant.
Genome position (GRCh38, 1-based): chr17:4,898,909-4,898,912, CAGT deleted on the plus strand (ACTG on the coding strand, the reverse complement: CHRNE is on the minus strand); deleting any 4 consecutive bases within chr17:4,898,909-4,898,916 gives the same sequence; the c. name uses the placement nearest the transcript's 3' end. VCF-style (leftmost placement, unchanged base first): chr17-4898908-ACAGT-A. GRCh37 (hg19) VCF-style: chr17-4802203-ACAGT-A.
Identifiers: ClinVar variation 2066367 (VCV002066367.4), dbSNP rs1283035067, ClinGen allele CA624855784.